The following is an entry in ClinVar:

NM_001283009.2(RTEL1):c.704G>A (p.Arg235His)

Genes: RTEL1 (regulator of telomere elongation helicase 1; plus strand), RTEL1-TNFRSF6B (RTEL1-TNFRSF6B readthrough (NMD candidate); plus strand). Cytogenetic location: 20q13.33.
Variant type: single nucleotide variant.
Coding change: c.704G>A on transcript NM_001283009.2 (MANE Select); coding-DNA position 704, G replaced by A.
Protein change: p.Arg235His; replaces arginine 235 with histidine.
Molecular consequence: missense variant. On other transcripts: non-coding transcript variant (1).
Genome position (GRCh38, 1-based): chr20:63,672,560, G>A. VCF-style: chr20-63672560-G-A. GRCh37 (hg19) VCF-style: chr20-62303913-G-A.
Other names: p.Arg235His; c.35G>A, p.Arg12His (NM_001283010.1); c.704G>A, p.Arg235His (NM_016434.4); c.776G>A, p.Arg259His (NM_032957.5); short protein forms R12H, R235H, R259H.
Identifiers: ClinVar variation 1163653 (VCV001163653.34), dbSNP rs549397879, ClinGen allele CA317495266.
Genomic context (GRCh38, chr20:63,672,560, plus strand): 5'-CCTCTTTCCCGGCCTCTGTGAGCTCCAGCGCTGCGTCCCTTCTCTTCCTCCTGTAGAGCC[G>A]CAGAGCACACAACATTGACCTGAAGGGGACAGTCGTGATCTTTGACGAAGCTCACAACGT-3'
Protein context (NP_001269938.1, residues 225-245): PYNYLLDAKS[Arg235His]RAHNIDLKGT

ClinVar aggregate classification (germline): Uncertain significance. Review status: criteria provided, multiple submitters, no conflicts (2 of 4 stars). 3 submissions from 3 submitters: Uncertain significance (2). 1 of the submissions does not count toward it. Last evaluated 2024-10-27.

Conditions:
Pulmonary fibrosis. Identifiers: MedGen C0034069, MONDO:0002771, HP:0002206.
Pulmonary fibrosis and/or bone marrow failure, Telomere-related, 3. Also called: PULMONARY FIBROSIS AND/OR BONE MARROW FAILURE SYNDROME, TELOMERE-RELATED, 3. Identifiers: Orphanet 2032, MedGen C4225346, MONDO:0014613, OMIM 616373.
Dyskeratosis congenita, autosomal recessive 5 (DKCB5). Identifiers: MedGen C3554656, MONDO:0014076, OMIM 615190.

Allele frequency attached by ClinVar (database versions not stated): TOPMed 0.00002.
gnomAD v4.1: 6 of 1,579,256 alleles (0.00038%); highest among the groups gnomAD compares: East Asian, 0.0023%; no homozygotes.

Submissions (3):

Labcorp Genetics (formerly Invitae), Labcorp
Classification: Uncertain significance for Dyskeratosis congenita, autosomal recessive 5; Pulmonary fibrosis and/or bone marrow failure, Telomere-related, 3. Last evaluated: 2024-10-27. Review status: criteria provided, single submitter. Criteria: Invitae Variant Classification Sherloc (09022015). Collection method: clinical testing. Allele origin: germline.
Comment: This sequence change replaces arginine, which is basic and polar, with histidine, which is basic and polar, at codon 235 of the RTEL1 protein (p.Arg235His). This variant is not present in population databases (gnomAD no frequency). This variant has not been reported in the literature in individuals affected with RTEL1-related conditions. ClinVar contains an entry for this variant (Variation ID: 1163653). An algorithm developed to predict the effect of missense changes on protein structure and function (PolyPhen-2) suggests that this variant is likely to be disruptive. In summary, the available evidence is currently insufficient to determine the role of this variant in disease. Therefore, it has been classified as a Variant of Uncertain Significance.

Mayo Clinic Laboratories, Mayo Clinic
Classification: Uncertain significance. Last evaluated: 2020-01-22. Review status: criteria provided, single submitter. Criteria: ACMG Guidelines, 2015. Collection method: clinical testing. Allele origin: germline. Observed: 1 variant allele.

Garcia Pulmonary Genetics Research Laboratory, Columbia University Irving Medical Center
Classification: Likely risk allele for Pulmonary fibrosis. Last evaluated: 2022-06-09. Review status: no assertion criteria provided. Collection method: research. Allele origin: germline. Affected: yes. Not counted in ClinVar's aggregate classification.
Comment: Leukocyte telomere length (by qPCR) less than 10th percentile age-adjusted